The following is an entry in ClinVar:

ClinVar aggregate classification (germline): Uncertain significance (1 of 4 stars; one submission).

Conditions:
Kabuki syndrome. Also called: Kabuki make-up syndrome; NIIKAWA-KUROKI SYNDROME. Identifiers: Orphanet 2322, MedGen C0796004, MONDO:0016512.

Submission:

Labcorp Genetics (formerly Invitae), Labcorp
Classification: Uncertain significance for Kabuki syndrome. Last evaluated: 2022-04-04. Review status: criteria provided, single submitter. Criteria: Invitae Variant Classification Sherloc (09022015). Collection method: clinical testing. Allele origin: germline.
Comment: Advanced modeling of protein sequence and biophysical properties (such as structural, functional, and spatial information, amino acid conservation, physicochemical variation, residue mobility, and thermodynamic stability) performed at Invitae indicates that this missense variant is not expected to disrupt KMT2D protein function. This variant has not been reported in the literature in individuals affected with KMT2D-related conditions. This variant is not present in population databases (gnomAD no frequency). This sequence change replaces alanine, which is neutral and non-polar, with glycine, which is neutral and non-polar, at codon 2094 of the KMT2D protein (p.Ala2094Gly). In summary, the available evidence is currently insufficient to determine the role of this variant in disease. Therefore, it has been classified as a Variant of Uncertain Significance.

NM_003482.4(KMT2D):c.6281C>G (p.Ala2094Gly)

Gene: KMT2D (lysine methyltransferase 2D; minus strand). Cytogenetic location: 12q13.12.
Variant type: single nucleotide variant.
Coding change: c.6281C>G on transcript NM_003482.4 (MANE Select); coding-DNA position 6281, C replaced by G.
Protein change: p.Ala2094Gly; replaces alanine 2094 with glycine.
Molecular consequence: missense variant.
Genome position (GRCh38, 1-based): chr12:49,041,489, G>C on the plus strand (C>G on the coding strand, the complement: KMT2D is on the minus strand). VCF-style: chr12-49041489-G-C. GRCh37 (hg19) VCF-style: chr12-49435272-G-C.
Other names: short protein forms A2094G.
Identifiers: ClinVar variation 2121447 (VCV002121447.4), dbSNP rs2120547757, ClinGen allele CA384751516.